The following is an entry in ClinVar:

ClinVar aggregate classification (germline): Conflicting classifications of pathogenicity. Review status: criteria provided, conflicting classifications (1 of 4 stars). 2 submissions from 2 submitters: Likely pathogenic (1); Uncertain significance (1). Last evaluated 2024-04-26.

Conditions:
Charcot-Marie-Tooth disease axonal type 2O. Also called: CHARCOT-MARIE-TOOTH NEUROPATHY, AXONAL, TYPE 2O; CHARCOT-MARIE-TOOTH DISEASE, AXONAL, AUTOSOMAL DOMINANT, TYPE 2O; Charcot-Marie-Tooth Neuropathy Type 2O; Charcot-Marie-Tooth disease, axonal, type 20. Identifiers: Orphanet 284232, MedGen C3280220, MONDO:0013644, OMIM 614228.
Cortical dysplasia, complex, with other brain malformations 13. Also called: Intellectual disability, autosomal dominant 13. Identifiers: MedGen C3281202, MONDO:0013805, OMIM 614563.

Submissions (2):

Labcorp Genetics (formerly Invitae), Labcorp
Classification: Likely pathogenic for Charcot-Marie-Tooth disease axonal type 2O. Last evaluated: 2024-04-26. Review status: criteria provided, single submitter. Criteria: Invitae Variant Classification Sherloc (09022015). Collection method: clinical testing. Allele origin: germline.
Comment: This sequence change replaces serine, which is neutral and polar, with phenylalanine, which is neutral and non-polar, at codon 1122 of the DYNC1H1 protein (p.Ser1122Phe). This variant is not present in population databases (gnomAD no frequency). This missense change has been observed in individual(s) with DYNC1H1-related conditions (Invitae). In at least one individual the variant was observed to be de novo. ClinVar contains an entry for this variant (Variation ID: 2572598). Advanced modeling of protein sequence and biophysical properties (such as structural, functional, and spatial information, amino acid conservation, physicochemical variation, residue mobility, and thermodynamic stability) has been performed at Invitae for this missense variant, however the output from this modeling did not meet the statistical confidence thresholds required to predict the impact of this variant on DYNC1H1 protein function. In summary, the currently available evidence indicates that the variant is pathogenic, but additional data are needed to prove that conclusively. Therefore, this variant has been classified as Likely Pathogenic.

3billion
Classification: Uncertain significance for Cortical dysplasia, complex, with other brain malformations 13. Review status: criteria provided, single submitter. Criteria: ACMG Guidelines, 2015. Collection method: clinical testing. Allele origin: unknown. Affected: yes. Observed: 1 heterozygote.
Comment: The variant is not observed in the gnomAD v2.1.1 dataset. Missense changes are a common disease-causing mechanism. In silico tool predictions suggest damaging effect of the variant on gene or gene product (REVEL: 0.47; 3Cnet: 0.67). A different missense change at the the same codon (p.Ser1122Pro) has been reported to be associated with DYNC1H1-related disorder (PMID: 30369941). However the evidence of pathogenicity is insufficient at this time. Therefore, this variant is classified as Uncertain significance according to the recommendation of ACMG/AMP guideline.

Literature cited by the submitters: PubMed 30369941 (cited by 3billion).

NM_001376.5(DYNC1H1):c.3365C>T (p.Ser1122Phe)

Gene: DYNC1H1 (dynein cytoplasmic 1 heavy chain 1; plus strand). Cytogenetic location: 14q32.31.
Variant type: single nucleotide variant.
Coding change: c.3365C>T on transcript NM_001376.5 (MANE Select); coding-DNA position 3365, C replaced by T.
Protein change: p.Ser1122Phe; replaces serine 1122 with phenylalanine.
Molecular consequence: missense variant.
Genome position (GRCh38, 1-based): chr14:101,995,017, C>T. VCF-style: chr14-101995017-C-T. GRCh37 (hg19) VCF-style: chr14-102461354-C-T.
Other names: short protein forms S1122F.
Identifiers: ClinVar variation 2572598 (VCV002572598.3), dbSNP rs1459382670, ClinGen allele CA391033721.